The following is an entry in ClinVar:

ClinVar aggregate classification (germline): Pathogenic (1 of 4 stars; one submission).

Submission:

Labcorp Genetics (formerly Invitae), Labcorp
Classification: Pathogenic. Last evaluated: 2023-07-07. Review status: criteria provided, single submitter. Criteria: Invitae Variant Classification Sherloc (09022015). Collection method: clinical testing. Allele origin: germline.
Comment: For these reasons, this variant has been classified as Pathogenic. This variant has not been reported in the literature in individuals affected with MID1-related conditions. This variant is a gross deletion of the genomic region encompassing exon(s) 2-3 of the MID1 gene, which includes the initiator codon. This deletion extends beyond the assayed region for this gene and therefore may encompass additional genes. It is expected to result in an absent or disrupted protein product. Loss-of-function variants in MID1 are known to be pathogenic (PMID: 15558842, 17221865, 21326312).

Literature cited by the submitters: PubMed 15558842; PubMed 17221865; PubMed 21326312.

NC_000023.10:g.(?_10491112)_(10535587_?)del

Gene: MID1 (midline 1; minus strand). Cytogenetic location: Xp22.2.
Variant type: Deletion.
Identifiers: ClinVar variation 2422984 (VCV002422984.4).